The following is an entry in ClinVar:

ClinVar aggregate classification (germline): Uncertain significance (1 of 4 stars; one submission).

Submission:

Labcorp Genetics (formerly Invitae), Labcorp
Classification: Uncertain significance. Last evaluated: 2023-11-20. Review status: criteria provided, single submitter. Criteria: Invitae Variant Classification Sherloc (09022015). Collection method: clinical testing. Allele origin: germline.
Comment: This variant results in a copy number gain of the genomic region encompassing exon(s) 19-20 of the COL11A1 gene. While the exact position of this variant cannot be determined from the data, sub-genic copy number gains are generally in tandem (PMID: 25640679). This variant is predicted to be in-frame, and likely preserves the integrity of the reading frame. This variant has not been reported in the literature in individuals affected with COL11A1-related conditions. Experimental studies and prediction algorithms are not available or were not evaluated, and the functional significance of this variant is currently unknown. In summary, the available evidence is currently insufficient to determine the role of this variant in disease. Therefore, it has been classified as a Variant of Uncertain Significance.

Literature cited by the submitters: PubMed 25640679.

NC_000001.10:g.(?_103469980)_(103470237_?)dup

Gene: COL11A1 (collagen type XI alpha 1 chain; minus strand). Cytogenetic location: 1p21.1.
Variant type: Duplication.
Identifiers: ClinVar variation 2424283 (VCV002424283.4).